The following is an entry in ClinVar:

ClinVar aggregate classification (germline): Conflicting classifications of pathogenicity. Review status: criteria provided, conflicting classifications (1 of 4 stars). 6 submissions from 6 submitters: Uncertain significance (1); Benign (3); Likely benign (1). 1 of the submissions does not count toward it. Last evaluated 2026-01-28.

Conditions:
DMD-related disorder. Also called: DMD-related condition.
Cardiovascular phenotype. Identifiers: MedGen CN230736.
Duchenne muscular dystrophy (DMD). Also called: MUSCULAR DYSTROPHY, PSEUDOHYPERTROPHIC PROGRESSIVE, DUCHENNE TYPE; Duchenne Muscular Dystrophy (DMD). Identifiers: Orphanet 98896, MedGen C0013264, MONDO:0010679, OMIM 310200.

Allele frequency attached by ClinVar (database versions not stated): gnomAD below 0.00001; gnomAD exomes 0.00023; ExAC 0.00026; 1000 Genomes Project 30x 0.00042; 1000 Genomes Project 0.00053.
gnomAD v4.1: 107 of 1,207,294 alleles (0.0089%); highest among the groups gnomAD compares: South Asian, 0.18%; no homozygotes.

Submissions (6):

Labcorp Genetics (formerly Invitae), Labcorp
Classification: Benign for Duchenne muscular dystrophy. Last evaluated: 2026-01-28. Review status: criteria provided, single submitter. Criteria: Invitae Variant Classification Sherloc (09022015). Collection method: clinical testing. Allele origin: germline.

Blueprint Genetics
Classification: Likely benign. Last evaluated: 2024-10-08. Review status: criteria provided, single submitter. Criteria: ACMG Guidelines, 2015. Collection method: clinical testing. Allele origin: germline.

Athena Diagnostics
Classification: Benign. Last evaluated: 2023-06-07. Review status: criteria provided, single submitter. Criteria: Athena Diagnostics Criteria. Collection method: clinical testing. Allele origin: unknown.

Ambry Genetics
Classification: Benign for Cardiovascular phenotype. Last evaluated: 2023-01-27. Review status: criteria provided, single submitter. Criteria: Ambry Variant Classification Scheme 2023. Collection method: clinical testing. Allele origin: germline.

GeneDx
Classification: Uncertain significance. Last evaluated: 2014-03-26. Review status: criteria provided, single submitter. Criteria: GeneDx Variant Classification (06012015). Collection method: clinical testing. Allele origin: germline. Affected: yes.
Comment: p.Asp311Gly (GAC>GGC): c.932 A>G in exon 9 of the DMD gene (NM_004006.2). A variant of unknown significance has been identified in the DMD gene. To our knowledge, the D311G variant has not been published as a mutation or as a benign polymorphism. The D311G variant was not observed in approximately 6,500 individuals of European and African American ancestry in the NHLBI Exome Sequencing Project, indicating it is not a common benign variant in these populations. The D311G variant is a non-conservative amino acid substitution, which is likely to impact secondary protein structure as these residues differ in polarity, charge, size and/or other properties. This substitution occurs at a position that is conserved in mammals. In silico analysis predicts this variant is possibly damaging to the protein structure/function. However, no missense mutations in nearby residues have been reported in association with cardiomyopathy/DMD, suggesting this region of the protein may be tolerant to change. Therefore, based on the currently available information, it is unclear whether this variant is a pathogenic mutation or a rare benign variant. The variant is found in CARDIOMYOPATHY panel(s).

PreventionGenetics, part of Exact Sciences
Classification: Likely benign for DMD-related condition. Last evaluated: 2023-09-29. Review status: no assertion criteria provided. Collection method: clinical testing. Allele origin: germline. Not counted in ClinVar's aggregate classification.
Comment: This variant is classified as likely benign based on ACMG/AMP sequence variant interpretation guidelines (Richards et al. 2015 PMID: 25741868, with internal and published modifications).

Literature cited by the submitters: PubMed 33250842 (cited by Athena Diagnostics and Ambry Genetics).

NM_004006.3(DMD):c.932A>G (p.Asp311Gly)

Gene: DMD (dystrophin; minus strand). Cytogenetic location: Xp21.1.
Variant type: single nucleotide variant.
Coding change: c.932A>G on transcript NM_004006.3 (MANE Select); coding-DNA position 932, A replaced by G.
Protein change: p.Asp311Gly; replaces aspartic acid 311 with glycine.
Molecular consequence: missense variant.
Genome position (GRCh38, 1-based): chrX:32,697,898, T>C on the plus strand (A>G on the coding strand, the complement: DMD is on the minus strand). VCF-style: chrX-32697898-T-C. GRCh37 (hg19) VCF-style: chrX-32716015-T-C.
Other names: p.D311G:GAC>GGC; c.908A>G, p.Asp303Gly (NM_000109.4); c.920A>G, p.Asp307Gly (NM_004009.3); c.563A>G, p.Asp188Gly (NM_004010.3); short protein forms D311G, D188G, D303G, D307G.
Identifiers: ClinVar variation 201743 (VCV000201743.19), dbSNP rs760932600, ClinGen allele CA308376.